The following is an entry in ClinVar:

ClinVar aggregate classification (germline): Uncertain significance (1 of 4 stars; one submission).

Allele frequency attached by ClinVar (database versions not stated): gnomAD exomes below 0.00001; TOPMed below 0.00001; ExAC 0.00001; gnomAD 0.00001.
gnomAD v4.1: 1 of 1,586,156 alleles (0.000063%); highest among the groups gnomAD compares: African/African-American, 0.0014%; no homozygotes.

Submission:

Labcorp Genetics (formerly Invitae), Labcorp
Classification: Uncertain significance. Last evaluated: 2022-02-04. Review status: criteria provided, single submitter. Criteria: Invitae Variant Classification Sherloc (09022015). Collection method: clinical testing. Allele origin: germline.
Comment: In summary, the available evidence is currently insufficient to determine the role of this variant in disease. Therefore, it has been classified as a Variant of Uncertain Significance. Algorithms developed to predict the effect of missense changes on protein structure and function are either unavailable or do not agree on the potential impact of this missense change (SIFT: "Deleterious"; PolyPhen-2: "Benign"; Align-GVGD: "Class C25"). This variant has not been reported in the literature in individuals affected with PRDM13-related conditions. This variant is present in population databases (rs763559246, gnomAD 0.01%). This sequence change replaces glycine, which is neutral and non-polar, with arginine, which is basic and polar, at codon 428 of the PRDM13 protein (p.Gly428Arg).

NM_021620.4(PRDM13):c.1282G>C (p.Gly428Arg)

Gene: PRDM13 (PR/SET domain 13; plus strand). Cytogenetic location: 6q16.2.
Variant type: single nucleotide variant.
Coding change: c.1282G>C on transcript NM_021620.4 (MANE Select); coding-DNA position 1282, G replaced by C.
Protein change: p.Gly428Arg; replaces glycine 428 with arginine.
Molecular consequence: missense variant.
Genome position (GRCh38, 1-based): chr6:99,613,917, G>C. VCF-style: chr6-99613917-G-C. GRCh37 (hg19) VCF-style: chr6-100061793-G-C.
Other names: short protein forms G428R.
Identifiers: ClinVar variation 1466129 (VCV001466129.8), dbSNP rs763559246, ClinGen allele CA3936343.